The following is an entry in ClinVar:

NM_000444.6(PHEX):c.1707_1710dup (p.Tyr571fs)

Genes: PTCHD1-AS (PTCHD1 and PHEX antisense RNA; minus strand), PHEX (phosphate regulating endopeptidase X-linked; plus strand). Cytogenetic location: Xp22.11.
Variant type: Duplication.
Coding change: c.1707_1710dup on transcript NM_000444.6 (MANE Select); coding-DNA positions 1707 to 1710, 4 bases duplicated (GAGT; older notation c.1707_1710dupGAGT).
Protein change: p.Tyr571fs; shifts the reading frame from tyrosine 571.
Molecular consequence: frameshift variant.
Genome position (GRCh38, 1-based): chrX:22,219,042-22,219,045, GAGT duplicated; duplicating any 4 consecutive bases within chrX:22,219,041-22,219,045 gives the same sequence; the c. name uses the placement nearest the transcript's 3' end. VCF-style (leftmost placement, unchanged base first): chrX-22219040-C-CTGAG. GRCh37 (hg19) VCF-style: chrX-22237157-C-CTGAG.
Other names: c.1707_1710dup, p.Tyr571fs (NM_001282754.2); short protein forms Y571fs.
Identifiers: ClinVar variation 1069516 (VCV001069516.10), dbSNP rs2147171118, ClinGen allele CA2499226580.

ClinVar aggregate classification (germline): Pathogenic. Review status: criteria provided, single submitter (1 of 4 stars). 2 submissions from 2 submitters: Pathogenic (1). 1 of the submissions does not count toward it. Last evaluated 2021-02-03.

Conditions:
Childhood hypophosphatasia. Identifiers: Orphanet 247667, Orphanet 436, MedGen C0220743, MONDO:1010168, OMIM 241510, MONDO:0009428.

Submissions (2):

Labcorp Genetics (formerly Invitae), Labcorp
Classification: Pathogenic. Last evaluated: 2021-02-03. Review status: criteria provided, single submitter. Criteria: Invitae Variant Classification Sherloc (09022015). Collection method: clinical testing. Allele origin: germline.
Comment: For these reasons, this variant has been classified as Pathogenic. Loss-of-function variants in PHEX are known to be pathogenic (PMID: 9097956, 9106524, 19219621). This variant has been observed in individual(s) with clinical features of X-linked hypophosphatemia (PMID: 30682568). This variant is not present in population databases (ExAC no frequency). This sequence change creates a premature translational stop signal (p.Tyr571Glufs*12) in the PHEX gene. It is expected to result in an absent or disrupted protein product.

Department of Pediatric Endocrinology, Shriners Hospitals for Children - Mexico City
No classification provided. Condition: Childhood hypophosphatasia. Review status: no classification provided. Collection method: phenotyping only. Allele origin: germline. Inheritance: X-linked dominant inheritance. Affected: yes. Observed: 1 variant allele. Not counted in ClinVar's aggregate classification.

Literature cited by the submitters: PubMed 9097956 (cited by Labcorp Genetics (formerly Invitae), Labcorp); PubMed 9106524 (cited by Labcorp Genetics (formerly Invitae), Labcorp); PubMed 19219621 (cited by Labcorp Genetics (formerly Invitae), Labcorp); PubMed 30682568 (cited by Labcorp Genetics (formerly Invitae), Labcorp).